The following is an entry in ClinVar:

ClinVar aggregate classification (germline): Uncertain significance. Review status: criteria provided, multiple submitters, no conflicts (2 of 4 stars). 2 submissions from 2 submitters: Uncertain significance (2). Last evaluated 2026-06-17.

Conditions:
Inborn genetic diseases. Identifiers: MedGen C0950123, MeSH D030342.

Allele frequency attached by ClinVar (database versions not stated): gnomAD exomes below 0.00001; TOPMed 0.00002.
gnomAD v4.1: 1 of 1,614,042 alleles (0.000062%); highest among the groups gnomAD compares: Non-Finnish European, 0.000085%; no homozygotes.

Submissions (2):

Ambry Genetics
Classification: Uncertain significance for Inborn genetic diseases. Last evaluated: 2026-06-17. Review status: criteria provided, single submitter. Criteria: Ambry Variant Classification Scheme 2023. Collection method: clinical testing. Allele origin: germline.
Comment: The p.R471W variant (also known as c.1411C>T), located in coding exon 14 of the DDX41 gene, results from a C to T substitution at nucleotide position 1411. The arginine at codon 471 is replaced by tryptophan, an amino acid with dissimilar properties. This amino acid position is highly conserved in available vertebrate species. In addition, this alteration is predicted to be deleterious by in silico analysis. Based on the available evidence, the clinical significance of this variant remains unclear.

Labcorp Genetics (formerly Invitae), Labcorp
Classification: Uncertain significance. Last evaluated: 2022-08-06. Review status: criteria provided, single submitter. Criteria: Invitae Variant Classification Sherloc (09022015). Collection method: clinical testing. Allele origin: germline.
Comment: This sequence change replaces arginine, which is basic and polar, with tryptophan, which is neutral and slightly polar, at codon 471 of the DDX41 protein (p.Arg471Trp). This variant is not present in population databases (gnomAD no frequency). This variant has not been reported in the literature in individuals affected with DDX41-related conditions. Algorithms developed to predict the effect of missense changes on protein structure and function are either unavailable or do not agree on the potential impact of this missense change (SIFT: "Not Available"; PolyPhen-2: "Probably Damaging"; Align-GVGD: "Not Available"). In summary, the available evidence is currently insufficient to determine the role of this variant in disease. Therefore, it has been classified as a Variant of Uncertain Significance.

NM_016222.4(DDX41):c.1411C>T (p.Arg471Trp)

Gene: DDX41 (DEAD-box helicase 41; minus strand). Cytogenetic location: 5q35.3.
Variant type: single nucleotide variant.
Coding change: c.1411C>T on transcript NM_016222.4 (MANE Select); coding-DNA position 1411, C replaced by T.
Protein change: p.Arg471Trp; replaces arginine 471 with tryptophan.
Molecular consequence: missense variant.
Genome position (GRCh38, 1-based): chr5:177,512,634, G>A on the plus strand (C>T on the coding strand, the complement: DDX41 is on the minus strand). VCF-style: chr5-177512634-G-A. GRCh37 (hg19) VCF-style: chr5-176939635-G-A.
Other names: c.1033C>T, p.Arg345Trp (NM_001321732.2, NM_001321830.2); c.1411C>T (NM_016222.2); short protein forms R471W, R345W.
Identifiers: ClinVar variation 2071639 (VCV002071639.5), dbSNP rs1329727523, ClinGen allele CA362373003.